The following is an entry in ClinVar:

ClinVar aggregate classification (germline): Uncertain significance (1 of 4 stars; one submission).

Conditions:
Hereditary cancer-predisposing syndrome. Also called: Neoplastic Syndromes, Hereditary; Tumor predisposition; Hereditary Cancer Syndrome; Hereditary neoplastic syndrome. Identifiers: Orphanet 140162, MedGen C0027672, MeSH D009386, MONDO:0015356.

Submission:

Ambry Genetics
Classification: Uncertain significance for Hereditary cancer-predisposing syndrome. Last evaluated: 2025-10-30. Review status: criteria provided, single submitter. Criteria: Ambry Variant Classification Scheme 2023. Collection method: clinical testing. Allele origin: germline.
Comment: The p.I507M variant (also known as c.1521T>G), located in coding exon 10 of the BRIP1 gene, results from a T to G substitution at nucleotide position 1521. The isoleucine at codon 507 is replaced by methionine, an amino acid with highly similar properties. This amino acid position is conserved. In addition, this alteration is predicted to be tolerated by in silico analysis. Based on the available evidence, the clinical significance of this variant remains unclear.

NM_032043.3(BRIP1):c.1521T>G (p.Ile507Met)

Gene: BRIP1 (BRCA1 interacting DNA helicase 1; minus strand). Cytogenetic location: 17q23.2.
Variant type: single nucleotide variant.
Coding change: c.1521T>G on transcript NM_032043.3 (MANE Select); coding-DNA position 1521, T replaced by G.
Protein change: p.Ile507Met; replaces isoleucine 507 with methionine.
Molecular consequence: missense variant.
Genome position (GRCh38, 1-based): chr17:61,784,377, A>C on the plus strand (T>G on the coding strand, the complement: BRIP1 is on the minus strand). VCF-style: chr17-61784377-A-C. GRCh37 (hg19) VCF-style: chr17-59861738-A-C.
Other names: short protein forms I507M.
Identifiers: ClinVar variation 4631030 (VCV004631030.1).